The following is an entry in ClinVar:

ClinVar aggregate classification (germline): Uncertain significance. Review status: criteria provided, multiple submitters, no conflicts (2 of 4 stars). 2 submissions from 2 submitters: Uncertain significance (2). Last evaluated 2024-04-16.

Conditions:
Epidermolysis bullosa simplex 5C, with pyloric atresia (EBS5C). Also called: PLEC-Related Epidermolysis Bullosa with Pyloric Atresia; Epidermolysis bullosa simplex with pyloric atresia; PLEC1-Related Epidermolysis Bullosa with Pyloric Atresia. Identifiers: Orphanet 158684, MedGen C2677349, MONDO:0012807, OMIM 612138.
Epidermolysis bullosa simplex 5B, with muscular dystrophy (EBS5B). Also called: Epidermolysis bullosa simplex with muscular dystrophy; EPIDERMOLYSIS BULLOSA SIMPLEX AND LIMB-GIRDLE MUSCULAR DYSTROPHY. Identifiers: Orphanet 257, MedGen C2931072, MONDO:0009181, OMIM 226670.
Epidermolysis bullosa simplex, Ogna type (EBS5A). Also called: Pidermolysis bullosa simplex 5A, Ogna type; EPIDERMOLYSIS BULLOSA SIMPLEX 5A, OGNA TYPE. Identifiers: Orphanet 79401, MedGen C0432317, MONDO:0007555, OMIM 131950.
Autosomal recessive limb-girdle muscular dystrophy type 2Q (LGMDR17). Also called: MUSCULAR DYSTROPHY, LIMB-GIRDLE, AUTOSOMAL RECESSIVE 17. Identifiers: Orphanet 254361, MedGen C3150989, MONDO:0013390, OMIM 613723.
Epidermolysis bullosa simplex with nail dystrophy (EBS5D). Identifiers: MedGen C4225309, MONDO:0014661, OMIM 616487.
Inborn genetic diseases. Identifiers: MedGen C0950123, MeSH D030342.

Allele frequency attached by ClinVar (database versions not stated): gnomAD 0.00001; gnomAD exomes 0.00001; ExAC 0.00003; 1000 Genomes Project 30x 0.00016.
gnomAD v4.1: 15 of 1,611,960 alleles (0.00093%); highest among the groups gnomAD compares: South Asian, 0.0033%; 1 homozygote.

Submissions (2):

Labcorp Genetics (formerly Invitae), Labcorp
Classification: Uncertain significance for Autosomal recessive limb-girdle muscular dystrophy type 2Q; Epidermolysis bullosa simplex, Ogna type; Epidermolysis bullosa simplex with nail dystrophy; Epidermolysis bullosa simplex 5C, with pyloric atresia; Epidermolysis bullosa simplex 5B, with muscular dystrophy. Last evaluated: 2024-04-16. Review status: criteria provided, single submitter. Criteria: Invitae Variant Classification Sherloc (09022015). Collection method: clinical testing. Allele origin: germline.
Comment: This sequence change replaces arginine, which is basic and polar, with cysteine, which is neutral and slightly polar, at codon 4243 of the PLEC protein (p.Arg4243Cys). This variant is present in population databases (rs782235680, gnomAD 0.0009%). This variant has not been reported in the literature in individuals affected with PLEC-related conditions. ClinVar contains an entry for this variant (Variation ID: 953144). Advanced modeling of protein sequence and biophysical properties (such as structural, functional, and spatial information, amino acid conservation, physicochemical variation, residue mobility, and thermodynamic stability) performed at Invitae indicates that this missense variant is not expected to disrupt PLEC protein function with a negative predictive value of 80%. In summary, the available evidence is currently insufficient to determine the role of this variant in disease. Therefore, it has been classified as a Variant of Uncertain Significance.

Ambry Genetics
Classification: Uncertain significance for Inborn genetic diseases. Last evaluated: 2021-11-12. Review status: criteria provided, single submitter. Criteria: Ambry Variant Classification Scheme 2023. Collection method: clinical testing. Allele origin: germline.

NM_201384.3(PLEC):c.12646C>T (p.Arg4216Cys)

Gene: PLEC (plectin; minus strand). Cytogenetic location: 8q24.3.
Variant type: single nucleotide variant.
Coding change: c.12646C>T on transcript NM_201384.3 (MANE Select); coding-DNA position 12646, C replaced by T.
Protein change: p.Arg4216Cys; replaces arginine 4216 with cysteine.
Molecular consequence: missense variant.
Genome position (GRCh38, 1-based): chr8:143,917,175, G>A on the plus strand (C>T on the coding strand, the complement: PLEC is on the minus strand). VCF-style: chr8-143917175-G-A. GRCh37 (hg19) VCF-style: chr8-144991343-G-A.
Other names: c.12727C>T (NM_000445.3); c.12727C>T, p.Arg4243Cys (NM_000445.5); c.12604C>T, p.Arg4202Cys (NM_201378.4); c.12580C>T, p.Arg4194Cys (NM_201379.3); c.13057C>T, p.Arg4353Cys (NM_201380.4); c.12550C>T, p.Arg4184Cys (NM_201381.3); c.12646C>T, p.Arg4216Cys (NM_201382.4); c.12658C>T, p.Arg4220Cys (NM_201383.3); short protein forms R4216C, R4243C, R4353C, R4184C, R4194C, R4202C, R4220C.
Identifiers: ClinVar variation 953144 (VCV000953144.11), dbSNP rs782235680, ClinGen allele CA4924030.